The following is an entry in ClinVar:

ClinVar aggregate classification (germline): Uncertain significance. Review status: criteria provided, multiple submitters, no conflicts (2 of 4 stars). 2 submissions from 2 submitters: Uncertain significance (2). Last evaluated 2025-04-07.

Conditions:
Ectodermal dysplasia 10A, hypohidrotic/hair/nail type, autosomal dominant (ECTD10A). Also called: Ectodermal Dysplasia 3, Anhidrotic. Identifiers: Orphanet 1810, Orphanet 238468, MedGen C3888065, MONDO:0007509, OMIM 129490.
Autosomal recessive hypohidrotic ectodermal dysplasia syndrome. Also called: Autosomal recessive hypohidrotic ectodermal dysplasia. Identifiers: Orphanet 248, MedGen C0406702, MONDO:0016619.
Inborn genetic diseases. Identifiers: MedGen C0950123, MeSH D030342.

Allele frequency attached by ClinVar (database versions not stated): ExAC 0.00001; gnomAD 0.00002; gnomAD exomes below 0.00001; TOPMed 0.00002.
gnomAD v4.1: 5 of 1,613,528 alleles (0.00031%); highest among the groups gnomAD compares: African/African-American, 0.0067%; no homozygotes.

Submissions (2):

Labcorp Genetics (formerly Invitae), Labcorp
Classification: Uncertain significance for Ectodermal dysplasia 10A, hypohidrotic/hair/nail type, autosomal dominant; Autosomal recessive hypohidrotic ectodermal dysplasia syndrome. Last evaluated: 2025-04-07. Review status: criteria provided, single submitter. Criteria: Invitae Variant Classification Sherloc (09022015). Collection method: clinical testing. Allele origin: germline.
Comment: This sequence change replaces proline, which is neutral and non-polar, with arginine, which is basic and polar, at codon 56 of the EDAR protein (p.Pro56Arg). This variant is present in population databases (rs770245989, gnomAD 0.008%). This missense change has been observed in individual(s) with clinical features of EDAR-related conditions (internal data). ClinVar contains an entry for this variant (Variation ID: 1055751). Invitae Evidence Modeling of protein sequence and biophysical properties (such as structural, functional, and spatial information, amino acid conservation, physicochemical variation, residue mobility, and thermodynamic stability) indicates that this missense variant is expected to disrupt EDAR protein function with a positive predictive value of 80%. This variant disrupts the p.Pro56 amino acid residue in EDAR. Other variant(s) that disrupt this residue have been observed in individuals with EDAR-related conditions (internal data), which suggests that this may be a clinically significant amino acid residue. In summary, the available evidence is currently insufficient to determine the role of this variant in disease. Therefore, it has been classified as a Variant of Uncertain Significance.

Ambry Genetics
Classification: Uncertain significance for Inborn genetic diseases. Last evaluated: 2024-06-11. Review status: criteria provided, single submitter. Criteria: Ambry Variant Classification Scheme 2023. Collection method: clinical testing. Allele origin: germline.

NM_022336.4(EDAR):c.167C>G (p.Pro56Arg)

Genes: EDAR (ectodysplasin A receptor; minus strand), RANBP2 (RAN binding protein 2; plus strand). Cytogenetic location: 2q13.
Variant type: single nucleotide variant.
Coding change: c.167C>G on transcript NM_022336.4 (MANE Select); coding-DNA position 167, C replaced by G.
Protein change: p.Pro56Arg; replaces proline 56 with arginine.
Molecular consequence: missense variant.
Genome position (GRCh38, 1-based): chr2:108,930,127, G>C on the plus strand (C>G on the coding strand, the complement: EDAR is on the minus strand). VCF-style: chr2-108930127-G-C. GRCh37 (hg19) VCF-style: chr2-109546583-G-C.
Other names: c.167C>G (NM_022336.3); short protein forms P56R.
Identifiers: ClinVar variation 1055751 (VCV001055751.10), dbSNP rs770245989, ClinGen allele CA1825191.